The following is an entry in ClinVar:

NM_001379610.1(SPINK1):c.*34C>T

Gene: SPINK1 (serine peptidase inhibitor Kazal type 1; minus strand). Cytogenetic location: 5q32.
Variant type: single nucleotide variant.
Coding change: c.*34C>T on transcript NM_001379610.1 (MANE Select); 34 bases downstream of the stop codon, C replaced by T.
Molecular consequence: 3 prime UTR variant.
Genome position (GRCh38, 1-based): chr5:147,824,627, G>A on the plus strand (C>T on the coding strand, the complement: SPINK1 is on the minus strand). VCF-style: chr5-147824627-G-A. GRCh37 (hg19) VCF-style: chr5-147204190-G-A.
Other names: c.*34C>T (NM_001354966.2, NM_003122.5).
Identifiers: ClinVar variation 351509 (VCV000351509.5), dbSNP rs377333227, ClinGen allele CA3494736.

ClinVar aggregate classification (germline): Benign (1 of 4 stars; one submission).

Conditions:
Hereditary pancreatitis (PCTT). Also called: Hereditary chronic pancreatitis; PRSS1-Related Hereditary Pancreatitis. Identifiers: Orphanet 676, MedGen C0238339, MONDO:0008185, OMIM 167800.

Allele frequency attached by ClinVar (database versions not stated): gnomAD 0.00001 and 0.00038; TOPMed 0.00010; ExAC 0.00221; 1000 Genomes Project 30x 0.00281; 1000 Genomes Project 0.00300.
gnomAD v4.1: 1,321 of 1,606,222 alleles (0.082%); highest among the groups gnomAD compares: South Asian, 1.4%; 26 homozygotes.

Submission:

Illumina Laboratory Services, Illumina
Classification: Benign for Hereditary pancreatitis. Last evaluated: 2018-01-12. Review status: criteria provided, single submitter. Criteria: ICSL Variant Classification Criteria 13 December 2019. Collection method: clinical testing. Allele origin: germline.
Comment: This variant was observed in the ICSL laboratory as part of a predisposition screen in an ostensibly healthy population. It had not been previously curated by ICSL or reported in the Human Gene Mutation Database (HGMD: prior to June 1st, 2018), and was therefore a candidate for classification through an automated scoring system. Utilizing variant allele frequency, disease prevalence and penetrance estimates, and inheritance mode, an automated score was calculated to assess if this variant is too frequent to cause the disease. Based on the score and internal cut-off values, a variant classified as benign is not then subjected to further curation. The score for this variant resulted in a classification of benign for this disease.